The following is an entry in ClinVar:

NM_014927.5(CNKSR2):c.*424T>C

Gene: CNKSR2 (connector enhancer of kinase suppressor of Ras 2; plus strand). Cytogenetic location: Xp22.12.
Variant type: single nucleotide variant.
Coding change: c.*424T>C on transcript NM_014927.5 (MANE Select); 424 bases downstream of the stop codon, T replaced by C.
Molecular consequence: 3 prime UTR variant.
Genome position (GRCh38, 1-based): chrX:21,652,945, T>C. VCF-style: chrX-21652945-T-C. GRCh37 (hg19) VCF-style: chrX-21671063-T-C.
Other names: c.*424T>C (NM_001168647.3, NM_001330770.2, NM_001330772.2).
Identifiers: ClinVar variation 4538390 (VCV004538390.1).

ClinVar aggregate classification (germline): Uncertain significance (1 of 4 stars; one submission).

Submission:

Greenwood Genetic Center Diagnostic Laboratories, Greenwood Genetic Center
Classification: Uncertain significance. Last evaluated: 2025-04-24. Review status: criteria provided, single submitter. Criteria: ACMG Guidelines, 2015. Collection method: clinical testing. Allele origin: germline. Affected: yes.
Comment: PM2